The following is an entry in ClinVar:

ClinVar aggregate classification (germline): Pathogenic (1 of 4 stars; one submission).

Submission:

Cytogenetics Laboratory, University of Washington
Classification: Pathogenic. Last evaluated: 2015-02-11. Review status: criteria provided, single submitter. Criteria: UW Cytogenetics and Genomics Laboratory Policy on CNV Interpretation (5/6/2015). Collection method: clinical testing. Allele origin: unknown. Affected: yes. Observed: 1 variant allele.

GRCh37/hg19 6q26-27(chr6:162865436-170901287)x3

Genes: DACT2 (dishevelled binding antagonist of beta catenin 2; minus strand), DLL1 (delta like canonical Notch ligand 1; minus strand), DYNLT2 (dynein light chain Tctex-type 2; minus strand), LINC02487 (long independently transcribed non-coding RNA 2487; minus strand), MPC1 (mitochondrial pyruvate carrier 1; minus strand) and 30 more. Cytogenetic location: 6q26-27.
Variant type: copy number gain.
Change: copy number 3 (three copies instead of two) of chr6:162,865,436-170,901,287 (8.04 Mb, GRCh37 coordinates, 1-based), cytogenetic band 6q26-27.
Identifiers: ClinVar variation 202226 (VCV000202226.4).